The following is an entry in ClinVar:

ClinVar aggregate classification (germline): Uncertain significance. Review status: criteria provided, multiple submitters, no conflicts (2 of 4 stars). 3 submissions from 3 submitters: Uncertain significance (3). Last evaluated 2024-09-13.

Conditions:
Hereditary cancer-predisposing syndrome. Also called: Tumor predisposition; Hereditary Cancer Syndrome; Hereditary neoplastic syndrome; Neoplastic Syndromes, Hereditary. Identifiers: Orphanet 140162, MedGen C0027672, MeSH D009386, MONDO:0015356.
Intellectual disability, autosomal dominant 16 (CSS4). Also called: COFFIN-SIRIS SYNDROME 4. Identifiers: Orphanet 1465, MedGen C3553249, MONDO:0013821, OMIM 614609.
Rhabdoid tumor predisposition syndrome 2 (RTPS2). Identifiers: Orphanet 231108, Orphanet 69077, MedGen C2750074, MONDO:0013224, OMIM 613325.

Allele frequency attached by ClinVar (database versions not stated): gnomAD exomes 0.00001; ExAC 0.00003.
gnomAD v4.1: 11 of 1,607,976 alleles (0.00068%); highest among the groups gnomAD compares: South Asian, 0.0011%; no homozygotes.

Submissions (3):

Ambry Genetics
Classification: Uncertain significance for Hereditary cancer-predisposing syndrome. Last evaluated: 2024-09-13. Review status: criteria provided, single submitter. Criteria: Ambry Variant Classification Scheme 2023. Collection method: clinical testing. Allele origin: germline.
Comment: The p.R1593W variant (also known as c.4777C>T), located in coding exon 33 of the SMARCA4 gene, results from a C to T substitution at nucleotide position 4777. The arginine at codon 1593 is replaced by tryptophan, an amino acid with dissimilar properties. This amino acid position is highly conserved in available vertebrate species. In addition, the in silico prediction for this alteration is inconclusive. Missense and in-frame variants in SMARCA4 are known to cause neurodevelopmental disorders; however, such associations with rhabdoid tumor predisposition syndrome including small cell carcinoma of the ovary-hypercalcemic type (SCCOHT) are exceedingly rare (Kosho T et al. Am J Med Genet C Semin Med Genet. 2014 Sep;166C(3):262-75; Jelinic P et al. Nat Genet. 2014 May;46(5):424-6). Based on the supporting evidence, the association of this alteration with Coffin-Siris syndrome is unknown; however, the association of this alteration with rhabdoid tumor predisposition syndrome is unlikely.

Labcorp Genetics (formerly Invitae), Labcorp
Classification: Uncertain significance for Rhabdoid tumor predisposition syndrome 2. Last evaluated: 2022-10-24. Review status: criteria provided, single submitter. Criteria: Invitae Variant Classification Sherloc (09022015). Collection method: clinical testing. Allele origin: germline.
Comment: This sequence change replaces arginine, which is basic and polar, with tryptophan, which is neutral and slightly polar, at codon 1593 of the SMARCA4 protein (p.Arg1593Trp). The frequency data for this variant in the population databases is considered unreliable, as metrics indicate poor data quality at this position in the gnomAD database. This variant has not been reported in the literature in individuals affected with SMARCA4-related conditions. ClinVar contains an entry for this variant (Variation ID: 486461). Advanced modeling of protein sequence and biophysical properties (such as structural, functional, and spatial information, amino acid conservation, physicochemical variation, residue mobility, and thermodynamic stability) performed at Invitae indicates that this missense variant is not expected to disrupt SMARCA4 protein function. In summary, the available evidence is currently insufficient to determine the role of this variant in disease. Therefore, it has been classified as a Variant of Uncertain Significance.

Genome-Nilou Lab
Classification: Uncertain significance for Intellectual disability, autosomal dominant 16. Last evaluated: 2021-07-15. Review status: criteria provided, single submitter. Criteria: ACMG Guidelines, 2015. Collection method: clinical testing. Allele origin: germline. Affected: no.

NM_003072.5(SMARCA4):c.4681C>T (p.Arg1561Trp)

Gene: SMARCA4 (SWI/SNF related BAF chromatin remodeling complex subunit ATPase 4; plus strand). Cytogenetic location: 19p13.2.
Variant type: single nucleotide variant.
Coding change: c.4681C>T on transcript NM_003072.5 (MANE Select); coding-DNA position 4681, C replaced by T.
Protein change: p.Arg1561Trp; replaces arginine 1561 with tryptophan.
Molecular consequence: missense variant. On other transcripts: non-coding transcript variant (1).
Genome position (GRCh38, 1-based): chr19:11,059,798, C>T. VCF-style: chr19-11059798-C-T. GRCh37 (hg19) VCF-style: chr19-11170474-C-T.
Other names: c.4681C>T, p.Arg1561Trp (NM_001128844.3); c.4591C>T, p.Arg1531Trp (NM_001128845.2); c.4588C>T, p.Arg1530Trp (NM_001128846.2); c.4582C>T, p.Arg1528Trp (NM_001128847.4, NM_001374457.1); c.4579C>T, p.Arg1527Trp (NM_001128848.2); c.4777C>T, p.Arg1593Trp (NM_001128849.3, NM_001387283.1); short protein forms R1593W, R1530W, R1531W, R1561W, R1527W, R1528W.
Identifiers: ClinVar variation 486461 (VCV000486461.15), dbSNP rs749700321, ClinGen allele CA9204826.